The following is an entry in ClinVar:

NM_004369.4(COL6A3):c.8604C>T (p.Ser2868=)

Gene: COL6A3 (collagen type VI alpha 3 chain; minus strand). Cytogenetic location: 2q37.3.
Variant type: single nucleotide variant.
Coding change: c.8604C>T on transcript NM_004369.4 (MANE Select); coding-DNA position 8604, C replaced by T.
Protein change: p.Ser2868=; no amino-acid change (serine 2868 retained).
Molecular consequence: synonymous variant.
Genome position (GRCh38, 1-based): chr2:237,336,496, G>A on the plus strand (C>T on the coding strand, the complement: COL6A3 is on the minus strand). VCF-style: chr2-237336496-G-A. GRCh37 (hg19) VCF-style: chr2-238245139-G-A.
Other names: c.6783C>T, p.Ser2261= (NM_057166.5); c.7986C>T, p.Ser2662= (NM_057167.4).
Identifiers: ClinVar variation 2652039 (VCV002652039.22), dbSNP rs2469793061, ClinGen allele CA431674920.
Genomic context (GRCh38, chr2:237,336,496, plus strand): 5'-CTTTGTTGTGGTGGTCACCGGCTTCGTCGTAGTCACCGGCTTCGTTGTCGTCACTGGGTT[G>A]GATGTAGGACTTGAAGTAACGTTATTCGGAACATTTCTGTTAAGACAAATTAAATATTAC-3'
Protein context (NP_004360.2, residues 2858-2878): VPNNVTSSPT[Ser2868=]NPVTTTKPVT

ClinVar aggregate classification (germline): Likely benign (1 of 4 stars; one submission).

Submission:

CeGaT Center for Human Genetics Tuebingen
Classification: Likely benign. Last evaluated: 2022-08-01. Review status: criteria provided, single submitter. Criteria: CeGaT Center For Human Genetics Tuebingen Variant Classification Criteria Version 2. Collection method: clinical testing. Allele origin: germline. Affected: yes. Observed: 1 variant allele.
Comment: COL6A3: PM2:Supporting, BP4, BP7